The following is an entry in ClinVar:

ClinVar aggregate classification (germline): Benign (1 of 4 stars; one submission).

Allele frequency attached by ClinVar (database versions not stated): TOPMed 0.00016; gnomAD 0.00017; 1000 Genomes Project 30x 0.00031; 1000 Genomes Project 0.00040.
gnomAD v4.1: 26 of 152,340 alleles (0.017%); highest among the groups gnomAD compares: South Asian, 0.17%; no homozygotes.

Submission:

CeGaT Center for Human Genetics Tuebingen
Classification: Benign. Last evaluated: 2022-12-01. Review status: criteria provided, single submitter. Criteria: CeGaT Center For Human Genetics Tuebingen Variant Classification Criteria Version 2. Collection method: clinical testing. Allele origin: germline. Affected: yes. Observed: 1 variant allele.
Comment: PKD1: BS1, BS2

NM_001009944.3(PKD1):c.216-4611C>T

Gene: PKD1 (polycystin 1, transient receptor potential channel interacting; minus strand). Cytogenetic location: 16p13.3.
Variant type: single nucleotide variant.
Coding change: c.216-4611C>T on transcript NM_001009944.3 (MANE Select); 4611 bases into the intron before coding-DNA position 216, C replaced by T.
Molecular consequence: intron variant.
Genome position (GRCh38, 1-based): chr16:2,123,989, G>A on the plus strand (C>T on the coding strand, the complement: PKD1 is on the minus strand). VCF-style: chr16-2123989-G-A. GRCh37 (hg19) VCF-style: chr16-2173990-G-A.
Other names: c.216-4611C>T (NM_000296.4).
Identifiers: ClinVar variation 2646037 (VCV002646037.24), dbSNP rs567827344, ClinGen allele CA276785241.